The following is an entry in ClinVar:

NM_004589.4(SCO1):c.620G>A (p.Arg207Lys)

Gene: SCO1 (synthesis of cytochrome C oxidase 1; minus strand). Cytogenetic location: 17p13.1.
Variant type: single nucleotide variant.
Coding change: c.620G>A on transcript NM_004589.4 (MANE Select); coding-DNA position 620, G replaced by A.
Protein change: p.Arg207Lys; replaces arginine 207 with lysine.
Molecular consequence: missense variant.
Genome position (GRCh38, 1-based): chr17:10,691,907, C>T on the plus strand (G>A on the coding strand, the complement: SCO1 is on the minus strand). VCF-style: chr17-10691907-C-T. GRCh37 (hg19) VCF-style: chr17-10595224-C-T.
Other names: short protein forms R207K.
Identifiers: ClinVar variation 388662 (VCV000388662.7), dbSNP rs774730754, ClinGen allele CA8393548.
Genomic context (GRCh38, chr17:10,691,907, plus strand): 5'-TGTAAAGTATTATTTAAAAAAATACCTTTCACATAATTTGCGATGGCTTCTTTTGTGTCC[C>T]TCTCTGGGTCAATGCTGATGAAAAGTGGAGTTAGATCTGGCAGAGTTGTAATGCTATCTG-3'
Protein context (NP_004580.1, residues 197-217): TPLFISIDPE[Arg207Lys]DTKEAIANYV

ClinVar aggregate classification (germline): Conflicting classifications of pathogenicity. Review status: criteria provided, conflicting classifications (1 of 4 stars). 3 submissions from 3 submitters: Likely pathogenic (1); Uncertain significance (2). Last evaluated 2024-11-14.

Conditions:
Mitochondrial complex IV deficiency, nuclear type 4. Also called: Mitochondrial complex 4 deficiency, nuclear type 4. Identifiers: MedGen C5436683, MONDO:0033636, OMIM 619048.

Allele frequency attached by ClinVar (database versions not stated): gnomAD 0.00001; TOPMed 0.00002; ExAC 0.00004; gnomAD exomes 0.00005 and 0.00009.
gnomAD v4.1: 29 of 1,613,366 alleles (0.0018%); highest among the groups gnomAD compares: Admixed American, 0.047%; 1 homozygote.

Submissions (3):

GeneDx
Classification: Likely pathogenic. Last evaluated: 2024-11-14. Review status: criteria provided, single submitter. Criteria: GeneDx Variant Classification Process June 2021. Collection method: clinical testing. Allele origin: germline. Affected: yes.
Comment: In silico analysis supports that this missense variant has a deleterious effect on protein structure/function; Has not been previously published as pathogenic or benign to our knowledge

Fulgent Genetics
Classification: Uncertain significance for Mitochondrial complex IV deficiency, nuclear type 4. Last evaluated: 2024-05-08. Review status: criteria provided, single submitter. Criteria: ACMG Guidelines, 2015. Collection method: clinical testing. Allele origin: germline.

Labcorp Genetics (formerly Invitae), Labcorp
Classification: Uncertain significance. Last evaluated: 2024-02-16. Review status: criteria provided, single submitter. Criteria: Invitae Variant Classification Sherloc (09022015). Collection method: clinical testing. Allele origin: germline.
Comment: This sequence change replaces arginine, which is basic and polar, with lysine, which is basic and polar, at codon 207 of the SCO1 protein (p.Arg207Lys). This variant is present in population databases (rs774730754, gnomAD 0.07%). This variant has not been reported in the literature in individuals affected with SCO1-related conditions. ClinVar contains an entry for this variant (Variation ID: 388662). Advanced modeling of protein sequence and biophysical properties (such as structural, functional, and spatial information, amino acid conservation, physicochemical variation, residue mobility, and thermodynamic stability) performed at Invitae indicates that this missense variant is expected to disrupt SCO1 protein function with a positive predictive value of 80%. In summary, the available evidence is currently insufficient to determine the role of this variant in disease. Therefore, it has been classified as a Variant of Uncertain Significance.